The following is an entry in ClinVar:

NM_021096.4(CACNA1I):c.5754A>T (p.Pro1918=)

Gene: CACNA1I (calcium voltage-gated channel subunit alpha1 I; plus strand). Cytogenetic location: 22q13.1.
Variant type: single nucleotide variant.
Coding change: c.5754A>T on transcript NM_021096.4 (MANE Select); coding-DNA position 5754, A replaced by T.
Protein change: p.Pro1918=; no amino-acid change (proline 1918 retained).
Molecular consequence: synonymous variant.
Genome position (GRCh38, 1-based): chr22:39,682,585, A>T. VCF-style: chr22-39682585-A-T. GRCh37 (hg19) VCF-style: chr22-40078590-A-T.
Other names: c.5649A>T, p.Pro1883= (NM_001003406.2).
Identifiers: ClinVar variation 4085495 (VCV004085495.8).

ClinVar aggregate classification (germline): Likely benign (1 of 4 stars; one submission).

gnomAD v4.1: 48 of 1,613,502 alleles (0.003%); highest among the groups gnomAD compares: South Asian, 0.051%; 1 homozygote.

Submission:

CeGaT Center for Human Genetics Tuebingen
Classification: Likely benign. Last evaluated: 2025-07-01. Review status: criteria provided, single submitter. Criteria: CeGaT Center For Human Genetics Tuebingen Variant Classification Criteria Version 2. Collection method: clinical testing. Allele origin: germline. Affected: yes. Observed: 1 variant allele.
Comment: CACNA1I: BP4, BP7